The following is an entry in ClinVar:

ClinVar aggregate classification (germline): Uncertain significance. Review status: criteria provided, multiple submitters, no conflicts (2 of 4 stars). 2 submissions from 2 submitters: Uncertain significance (2). Last evaluated 2025-08-30.

Conditions:
Carpenter syndrome. Identifiers: Orphanet 65759, MedGen C1275078, MONDO:0019012.
Inborn genetic diseases. Identifiers: MedGen C0950123, MeSH D030342.

Allele frequency attached by ClinVar (database versions not stated): gnomAD 0.00002; ExAC 0.00007.
gnomAD v4.1: 36 of 1,613,858 alleles (0.0022%); highest among the groups gnomAD compares: Middle Eastern, 0.017%; 1 homozygote.

Submissions (2):

Ambry Genetics
Classification: Uncertain significance for Inborn genetic diseases. Last evaluated: 2025-08-30. Review status: criteria provided, single submitter. Criteria: Ambry Variant Classification Scheme 2023. Collection method: clinical testing. Allele origin: germline.

Labcorp Genetics (formerly Invitae), Labcorp
Classification: Uncertain significance for Carpenter syndrome. Last evaluated: 2021-09-01. Review status: criteria provided, single submitter. Criteria: Invitae Variant Classification Sherloc (09022015). Collection method: clinical testing. Allele origin: germline.
Comment: This sequence change replaces glycine with serine at codon 203 of the RAB23 protein (p.Gly203Ser). The glycine residue is moderately conserved and there is a small physicochemical difference between glycine and serine. This variant is present in population databases (rs763116254, ExAC 0.03%). This variant has not been reported in the literature in individuals affected with RAB23-related conditions. Algorithms developed to predict the effect of missense changes on protein structure and function output the following: SIFT: "Tolerated"; PolyPhen-2: "Benign"; Align-GVGD: "Class C0". The serine amino acid residue is found in multiple mammalian species, which suggests that this missense change does not adversely affect protein function. In summary, the available evidence is currently insufficient to determine the role of this variant in disease. Therefore, it has been classified as a Variant of Uncertain Significance.

NM_016277.5(RAB23):c.607G>A (p.Gly203Ser)

Gene: RAB23 (RAB23, member RAS oncogene family; minus strand). Cytogenetic location: 6p12.1.
Variant type: single nucleotide variant.
Coding change: c.607G>A on transcript NM_016277.5 (MANE Select); coding-DNA position 607, G replaced by A.
Protein change: p.Gly203Ser; replaces glycine 203 with serine.
Molecular consequence: missense variant. On other transcripts: non-coding transcript variant (1).
Genome position (GRCh38, 1-based): chr6:57,190,568, C>T on the plus strand (G>A on the coding strand, the complement: RAB23 is on the minus strand). VCF-style: chr6-57190568-C-T. GRCh37 (hg19) VCF-style: chr6-57055366-C-T.
Other names: c.607G>A (NM_183227.1); c.607G>A, p.Gly203Ser (NM_001278666.2, NM_001278667.2, NM_001278668.2 and 1 more transcripts); short protein forms G203S.
Identifiers: ClinVar variation 2086020 (VCV002086020.2), dbSNP rs763116254, ClinGen allele CA3873746.